The following is an entry in ClinVar:

NC_000017.10:g.(?_41209049)_(41215988_?)dup

Gene: BRCA1 (BRCA1 DNA repair associated; minus strand). Cytogenetic location: 17q21.31.
Variant type: Duplication.
Identifiers: ClinVar variation 583511 (VCV000583511.3).

ClinVar aggregate classification (germline): Likely pathogenic (1 of 4 stars; one submission).

Conditions:
Hereditary breast ovarian cancer syndrome. Also called: Hereditary breast and ovarian cancer syndrome; Hereditary breast and/or ovarian cancer syndrome; Hereditary breast and ovarian cancer syndrome (HBOC); Breast and ovarian cancer; BRCA1- and BRCA2-Associated Hereditary Breast and Ovarian Cancer; Hereditary breast and ovarian cancer. Identifiers: Orphanet 145, MedGen C0677776, MeSH D061325, MONDO:0003582. Disease mechanism: loss of function.

Submission:

Labcorp Genetics (formerly Invitae), Labcorp
Classification: Likely pathogenic for Hereditary breast and ovarian cancer syndrome. Last evaluated: 2019-11-30. Review status: criteria provided, single submitter. Criteria: Invitae Variant Classification Sherloc (09022015). Collection method: clinical testing. Allele origin: germline.
Comment: This variant results in a copy number gain of the genomic region encompassing exons 17-19 of the BRCA1 gene. While the exact position of this variant cannot be determined from this data, sub-genic copy number gains are generally in tandem (PMID: 25640679) and may result in an absent or disrupted protein product. Similar duplications have been reported in two families undergoing testing for hereditary breast and/or ovarian cancer (PMID: 18330910, 12203994). This region is also known as exons 18-20 in the literature. Loss-of-function variants in BRCA1 are known to be pathogenic (PMID: 20104584). In summary, the currently available evidence indicates that the variant is pathogenic, but additional data are needed to prove that conclusively. Therefore, this variant has been classified as Likely Pathogenic.

Literature cited by the submitters: PubMed 18330910; PubMed 12203994.